The following is an entry in ClinVar:

NM_015215.4(CAMTA1):c.4123G>T (p.Gly1375Trp)

Genes: CAMTA1 (calmodulin binding transcription activator 1; plus strand), LOC126805603 (CDK7 strongly-dependent group 2 enhancer GRCh37_chr1:7798026-7799225; plus strand). Cytogenetic location: 1p36.23.
Variant type: single nucleotide variant.
Coding change: c.4123G>T on transcript NM_015215.4 (MANE Select); coding-DNA position 4123, G replaced by T.
Protein change: p.Gly1375Trp; replaces glycine 1375 with tryptophan.
Molecular consequence: missense variant.
Genome position (GRCh38, 1-based): chr1:7,738,423, G>T. VCF-style: chr1-7738423-G-T. GRCh37 (hg19) VCF-style: chr1-7798483-G-T.
Other names: c.4033G>T, p.Gly1345Trp (NM_001349608.2); c.3784G>T, p.Gly1262Trp (NM_001349609.2, NM_001349610.2, NM_001410737.1); c.3694G>T, p.Gly1232Trp (NM_001349612.2); c.1252G>T, p.Gly418Trp (NM_001349613.1); c.1195G>T, p.Gly399Trp (NM_001349614.1, NM_001349615.2, NM_001349616.2 and 2 more transcripts); c.856G>T, p.Gly286Trp (NM_001349619.2, NM_001349620.1, NM_001349621.1 and 5 more transcripts); c.3712G>T, p.Gly1238Trp (NM_001410738.1); short protein forms G1262W, G286W, G1232W, G1375W, G1238W, G1345W, G399W, G418W.
Identifiers: ClinVar variation 3701883 (VCV003701883.2).

ClinVar aggregate classification (germline): Uncertain significance (1 of 4 stars; one submission).

Submission:

Labcorp Genetics (formerly Invitae), Labcorp
Classification: Uncertain significance. Last evaluated: 2024-10-21. Review status: criteria provided, single submitter. Criteria: Invitae Variant Classification Sherloc (09022015). Collection method: clinical testing. Allele origin: germline.
Comment: This sequence change replaces glycine, which is neutral and non-polar, with tryptophan, which is neutral and slightly polar, at codon 1375 of the CAMTA1 protein (p.Gly1375Trp). This variant is not present in population databases (gnomAD no frequency). This variant has not been reported in the literature in individuals affected with CAMTA1-related conditions. Invitae Evidence Modeling of protein sequence and biophysical properties (such as structural, functional, and spatial information, amino acid conservation, physicochemical variation, residue mobility, and thermodynamic stability) indicates that this missense variant is not expected to disrupt CAMTA1 protein function with a negative predictive value of 80%. In summary, the available evidence is currently insufficient to determine the role of this variant in disease. Therefore, it has been classified as a Variant of Uncertain Significance.